The following is an entry in ClinVar:

NM_000264.5(PTCH1):c.3680C>G (p.Ser1227Cys)

Gene: PTCH1 (patched 1; minus strand). Cytogenetic location: 9q22.32.
Variant type: single nucleotide variant.
Coding change: c.3680C>G on transcript NM_000264.5 (MANE Select); coding-DNA position 3680, C replaced by G.
Protein change: p.Ser1227Cys; replaces serine 1227 with cysteine.
Molecular consequence: missense variant. On other transcripts: non-coding transcript variant (1).
Genome position (GRCh38, 1-based): chr9:95,449,193, G>C on the plus strand (C>G on the coding strand, the complement: PTCH1 is on the minus strand). VCF-style: chr9-95449193-G-C. GRCh37 (hg19) VCF-style: chr9-98211475-G-C.
Other names: c.3482C>G, p.Ser1161Cys (NM_001083602.3); c.3677C>G, p.Ser1226Cys (NM_001083603.3); c.3227C>G, p.Ser1076Cys (NM_001083604.3, NM_001083605.3, NM_001083606.3 and 1 more transcripts); c.3524C>G, p.Ser1175Cys (NM_001354918.2); short protein forms S1076C, S1161C, S1175C, S1226C, S1227C.
Identifiers: ClinVar variation 3623484 (VCV003623484.2).

ClinVar aggregate classification (germline): Uncertain significance (1 of 4 stars; one submission).

Conditions:
Gorlin syndrome. Also called: Basal cell nevus syndrome; Nevoid Basal Cell Carcinoma Syndrome. Identifiers: Orphanet 377, MedGen C0004779, MONDO:0007187.

Submission:

Labcorp Genetics (formerly Invitae), Labcorp
Classification: Uncertain significance for Gorlin syndrome. Last evaluated: 2025-11-19. Review status: criteria provided, single submitter. Criteria: Invitae Variant Classification Sherloc (09022015). Collection method: clinical testing. Allele origin: germline.
Comment: This sequence change replaces serine, which is neutral and polar, with cysteine, which is neutral and slightly polar, at codon 1227 of the PTCH1 protein (p.Ser1227Cys). This variant is not present in population databases (gnomAD no frequency). This variant has not been reported in the literature in individuals affected with PTCH1-related conditions. ClinVar contains an entry for this variant (Variation ID: 3623484). Invitae Evidence Modeling of protein sequence and biophysical properties (such as structural, functional, and spatial information, amino acid conservation, physicochemical variation, residue mobility, and thermodynamic stability) has been performed for this missense variant. However, the output from this modeling did not meet the statistical confidence thresholds required to predict the impact of this variant on PTCH1 protein function. In summary, the available evidence is currently insufficient to determine the role of this variant in disease. Therefore, it has been classified as a Variant of Uncertain Significance.